The following is an entry in ClinVar:

ClinVar aggregate classification (germline): Uncertain significance (1 of 4 stars; one submission).

Conditions:
Autosomal dominant Parkinson disease 8. Also called: Parkinson disease 8, susceptibility to; LRRK2-Related Parkinson Disease; Parkinson disease 8. Identifiers: Orphanet 411602, MedGen C1846862, MONDO:0011764, OMIM 607060.

gnomAD v4.1: 9 of 1,613,918 alleles (0.00056%); highest among the groups gnomAD compares: Non-Finnish European, 0.00068%; no homozygotes.

Submission:

Labcorp Genetics (formerly Invitae), Labcorp
Classification: Uncertain significance for Autosomal dominant Parkinson disease 8. Last evaluated: 2022-11-15. Review status: criteria provided, single submitter. Criteria: Invitae Variant Classification Sherloc (09022015). Collection method: clinical testing. Allele origin: germline.
Comment: Advanced modeling of protein sequence and biophysical properties (such as structural, functional, and spatial information, amino acid conservation, physicochemical variation, residue mobility, and thermodynamic stability) has been performed at Invitae for this missense variant, however the output from this modeling did not meet the statistical confidence thresholds required to predict the impact of this variant on LRRK2 protein function. In summary, the available evidence is currently insufficient to determine the role of this variant in disease. Therefore, it has been classified as a Variant of Uncertain Significance. ClinVar contains an entry for this variant (Variation ID: 1386749). This variant has not been reported in the literature in individuals affected with LRRK2-related conditions. This variant is not present in population databases (gnomAD no frequency). This sequence change replaces valine, which is neutral and non-polar, with methionine, which is neutral and non-polar, at codon 1922 of the LRRK2 protein (p.Val1922Met).

NM_198578.4(LRRK2):c.5764G>A (p.Val1922Met)

Gene: LRRK2 (leucine rich repeat kinase 2; plus strand). Cytogenetic location: 12q12.
Variant type: single nucleotide variant.
Coding change: c.5764G>A on transcript NM_198578.4 (MANE Select); coding-DNA position 5764, G replaced by A.
Protein change: p.Val1922Met; replaces valine 1922 with methionine.
Molecular consequence: missense variant.
Genome position (GRCh38, 1-based): chr12:40,334,973, G>A. VCF-style: chr12-40334973-G-A. GRCh37 (hg19) VCF-style: chr12-40728775-G-A.
Other names: short protein forms V1922M.
Identifiers: ClinVar variation 1386749 (VCV001386749.8), dbSNP rs2136937875, ClinGen allele CA384401837.